The following is an entry in ClinVar:

ClinVar aggregate classification (germline): Uncertain significance (1 of 4 stars; one submission).

Submission:

GeneDx
Classification: Uncertain significance. Last evaluated: 2022-03-15. Review status: criteria provided, single submitter. Criteria: GeneDx Variant Classification Process June 2021. Collection method: clinical testing. Allele origin: germline. Affected: yes.
Comment: Not observed at significant frequency in large population cohorts (gnomAD); In silico analysis supports that this missense variant does not alter protein structure/function; Has not been previously published as pathogenic or benign to our knowledge

NM_207037.2(TCF12):c.1397C>T (p.Ala466Val)

Gene: TCF12 (transcription factor 12; plus strand). Cytogenetic location: 15q21.3.
Variant type: single nucleotide variant.
Coding change: c.1397C>T on transcript NM_207037.2 (MANE Select); coding-DNA position 1397, C replaced by T.
Protein change: p.Ala466Val; replaces alanine 466 with valine.
Molecular consequence: missense variant.
Genome position (GRCh38, 1-based): chr15:57,253,398, C>T. VCF-style: chr15-57253398-C-T. GRCh37 (hg19) VCF-style: chr15-57545596-C-T.
Other names: c.887C>T, p.Ala296Val (NM_001306219.3); c.617C>T, p.Ala206Val (NM_001306220.3); c.1397C>T, p.Ala466Val (NM_001322151.2, NM_001322152.2, NM_001322159.3 and 2 more transcripts); c.740C>T, p.Ala247Val (NM_001322154.2); c.1223C>T, p.Ala408Val (NM_001322156.2); c.1325C>T, p.Ala442Val (NM_001322157.3, NM_001322165.2, NM_003205.4 and 1 more transcripts); c.1151C>T, p.Ala384Val (NM_001322158.2); c.1394C>T, p.Ala465Val (NM_001322161.2); and 2 more; short protein forms A206V, A247V, A272V, A296V, A384V, A408V, A442V, A454V.
Identifiers: ClinVar variation 1708737 (VCV001708737.2), dbSNP rs2551485060, ClinGen allele CA392587134.